The following is an entry in ClinVar:

ClinVar aggregate classification (germline): Uncertain significance (1 of 4 stars; one submission).

gnomAD v4.1: 10 of 1,588,574 alleles (0.00063%); highest among the groups gnomAD compares: Middle Eastern, 0.034%; no homozygotes.

Submission:

Labcorp Genetics (formerly Invitae), Labcorp
Classification: Uncertain significance. Last evaluated: 2024-12-02. Review status: criteria provided, single submitter. Criteria: Invitae Variant Classification Sherloc (09022015). Collection method: clinical testing. Allele origin: germline.
Comment: This sequence change replaces cysteine, which is neutral and slightly polar, with arginine, which is basic and polar, at codon 92 of the PPM1D protein (p.Cys92Arg). This variant is present in population databases (no rsID available, gnomAD 0.003%). This variant has not been reported in the literature in individuals affected with PPM1D-related conditions. An algorithm developed to predict the effect of missense changes on protein structure and function (PolyPhen-2) suggests that this variant is likely to be tolerated. In summary, the available evidence is currently insufficient to determine the role of this variant in disease. Therefore, it has been classified as a Variant of Uncertain Significance.

NM_003620.4(PPM1D):c.274T>C (p.Cys92Arg)

Gene: PPM1D (protein phosphatase, Mg2+/Mn2+ dependent 1D; plus strand). Cytogenetic location: 17q23.2.
Variant type: single nucleotide variant.
Coding change: c.274T>C on transcript NM_003620.4 (MANE Select); coding-DNA position 274, T replaced by C.
Protein change: p.Cys92Arg; replaces cysteine 92 with arginine.
Molecular consequence: missense variant.
Genome position (GRCh38, 1-based): chr17:60,600,688, T>C. VCF-style: chr17-60600688-T-C. GRCh37 (hg19) VCF-style: chr17-58678049-T-C.
Other names: short protein forms C92R.
Identifiers: ClinVar variation 3612727 (VCV003612727.2).